The following is an entry in ClinVar:

NM_000558.3(HBA1):c.287C>G (p.Pro96Arg)

Genes: HBA1 (hemoglobin subunit alpha 1; plus strand), LOC106804613 (hemoglobin subunit alpha 1 recombination region; plus strand). Cytogenetic location: 16p13.3.
Variant type: single nucleotide variant.
Coding change: c.287C>G on transcript NM_000558.3; coding-DNA position 287, C replaced by G.
Protein change: p.Pro96Arg; replaces proline 96 with arginine.
Molecular consequence: missense variant (on NM_000558.5).
Genome position (GRCh38, 1-based): chr16:177,120, C>G. VCF-style: chr16-177120-C-G. GRCh37 (hg19) VCF-style: chr16-227119-C-G.
Other names: P95R; c.287C>G, p.Pro96Arg (NM_000558.5); short protein forms P96R.
Identifiers: ClinVar variation 15817 (VCV000015817.4), dbSNP rs33931314, ClinGen allele CA125893.

ClinVar aggregate classification (germline): Conflicting classifications of pathogenicity. Review status: criteria provided, conflicting classifications (1 of 4 stars). 3 submissions from 3 submitters: Uncertain significance (1); Likely benign (1). 1 of the submissions does not count toward it. Last evaluated 2024-11-20.

Conditions:
HEMOGLOBIN ST. LUKE'S.

Allele frequency attached by ClinVar (database versions not stated): gnomAD exomes below 0.00001.
gnomAD v4.1: 1 of 1,566,220 alleles (0.000064%); highest among the groups gnomAD compares: Non-Finnish European, 0.000086%; no homozygotes.

Submissions (3):

ARUP Laboratories, Molecular Genetics and Genomics, ARUP Laboratories
Classification: Likely benign. Last evaluated: 2024-11-20. Review status: criteria provided, single submitter. Criteria: ARUP Molecular Germline Variant Investigation Process 2024. Collection method: clinical testing. Allele origin: germline.
Comment: The Hb St. Luke's variant (HBA1: c.287C>G; p.Pro96Arg, also known as Pro95Arg when numbered from the mature protein, rs33931314, ClinVar Variation ID: 15817, HbVar ID:160) is reported in the heterozygous state in individuals with normal hematological parameters (see HbVar database and references therein, van Zwieten 2014). Additionally, this variant was found heterozygous in an individual that also carried HbS with normal hematological parameters (Silva 2013). This variant is absent from the Genome Aggregation Database (v2.1.1), indicating it is not a common polymorphism. Computational analyses predict that this variant is deleterious (REVEL: 0.908), and functional studies demonstrate increased oxygen affinity (Lorkin 1974). Based on available information, this variant is considered to be likely benign. References: Link to HbVar database: Lorkin PA et al. The oxygen affinity of haemoglobin St. Luke's. FEBS Lett. 1974 Feb 1;39(1):111-4. PMID: 4854984. Silva MR et al. Alpha chain hemoglobins with electrophoretic mobility similar to that of hemoglobin S in a newborn screening program. Rev Bras Hematol Hemoter. 2013;35(2):109-14. PMID: 23741188. van Zwieten R et al. Hemoglobin analyses in the Netherlands reveal more than 80 different variants including six novel ones. Hemoglobin. 2014;38(1):1-7. PMID: 24200101.

Quest Diagnostics Nichols Institute San Juan Capistrano
Classification: Uncertain significance. Last evaluated: 2021-03-05. Review status: criteria provided, single submitter. Criteria: Quest Diagnostics criteria. Collection method: clinical testing. Allele origin: unknown.

OMIM
Classification: other for HEMOGLOBIN ST. LUKE'S. Last evaluated: 2016-07-20. Review status: no assertion criteria provided. Collection method: literature only. Allele origin: germline. Not counted in ClinVar's aggregate classification.

Literature cited by the submitters: PubMed 12779278 (cited by Quest Diagnostics Nichols Institute San Juan Capistrano and OMIM); PubMed 5081617 (cited by Quest Diagnostics Nichols Institute San Juan Capistrano and OMIM); PubMed 4854984 (cited by Quest Diagnostics Nichols Institute San Juan Capistrano); PubMed 7803274 (cited by Quest Diagnostics Nichols Institute San Juan Capistrano); PubMed 6629829 (cited by Quest Diagnostics Nichols Institute San Juan Capistrano); PubMed 23395770 (cited by Quest Diagnostics Nichols Institute San Juan Capistrano); PubMed 32597250 (cited by Quest Diagnostics Nichols Institute San Juan Capistrano); PubMed 23741188 (cited by Quest Diagnostics Nichols Institute San Juan Capistrano); PubMed 25818820 (cited by Quest Diagnostics Nichols Institute San Juan Capistrano); PubMed 27744178 (cited by Quest Diagnostics Nichols Institute San Juan Capistrano); PubMed 24200101 (cited by Quest Diagnostics Nichols Institute San Juan Capistrano).